The following is an entry in ClinVar:

ClinVar aggregate classification (germline): Uncertain significance. Review status: criteria provided, multiple submitters, no conflicts (2 of 4 stars). 2 submissions from 2 submitters: Uncertain significance (2). Last evaluated 2025-01-07.

Conditions:
Inborn genetic diseases. Identifiers: MedGen C0950123, MeSH D030342.
Cryptosporidiosis-chronic cholangitis-liver disease syndrome. Also called: IL21R immunodeficiency; Immunodeficiency type 56. Identifiers: Orphanet 357329, MedGen C3554687, MONDO:0014082, OMIM 615207.

Allele frequency attached by ClinVar (database versions not stated): gnomAD exomes 0.00001 and 0.00004; ExAC 0.00004; gnomAD 0.00010 and 0.00011; TOPMed 0.00012; 1000 Genomes Project 0.00020; ESP Exome Variant Server 0.00023; 1000 Genomes Project 30x 0.00031.
gnomAD v4.1: 31 of 1,613,376 alleles (0.0019%); highest among the groups gnomAD compares: African/African-American, 0.039%; no homozygotes.

Submissions (2):

Ambry Genetics
Classification: Uncertain significance for Inborn genetic diseases. Last evaluated: 2025-01-07. Review status: criteria provided, single submitter. Criteria: Ambry Variant Classification Scheme 2023. Collection method: clinical testing. Allele origin: germline.

Labcorp Genetics (formerly Invitae), Labcorp
Classification: Uncertain significance for Cryptosporidiosis-chronic cholangitis-liver disease syndrome. Last evaluated: 2022-07-12. Review status: criteria provided, single submitter. Criteria: Invitae Variant Classification Sherloc (09022015). Collection method: clinical testing. Allele origin: germline.
Comment: This sequence change replaces arginine, which is basic and polar, with threonine, which is neutral and polar, at codon 161 of the IL21R protein (p.Arg161Thr). This variant is present in population databases (rs143921988, gnomAD 0.05%). This variant has not been reported in the literature in individuals affected with IL21R-related conditions. ClinVar contains an entry for this variant (Variation ID: 847893). Algorithms developed to predict the effect of missense changes on protein structure and function (SIFT, PolyPhen-2, Align-GVGD) all suggest that this variant is likely to be disruptive. In summary, the available evidence is currently insufficient to determine the role of this variant in disease. Therefore, it has been classified as a Variant of Uncertain Significance.

NM_181078.3(IL21R):c.482G>C (p.Arg161Thr)

Gene: IL21R (interleukin 21 receptor; plus strand). Cytogenetic location: 16p12.1.
Variant type: single nucleotide variant.
Coding change: c.482G>C on transcript NM_181078.3 (MANE Select); coding-DNA position 482, G replaced by C.
Protein change: p.Arg161Thr; replaces arginine 161 with threonine.
Molecular consequence: missense variant.
Genome position (GRCh38, 1-based): chr16:27,443,091, G>C. VCF-style: chr16-27443091-G-C. GRCh37 (hg19) VCF-style: chr16-27454412-G-C.
Other names: c.482G>C, p.Arg161Thr (NM_021798.4); c.548G>C, p.Arg183Thr (NM_181079.5); c.548G>C (NM_181079.4); short protein forms R161T, R183T.
Identifiers: ClinVar variation 847893 (VCV000847893.6), dbSNP rs143921988, ClinGen allele CA7974978.